The following is an entry in ClinVar:

NM_004006.3(DMD):c.3432+8C>A

Gene: DMD (dystrophin; minus strand). Cytogenetic location: Xp21.1.
Variant type: single nucleotide variant.
Coding change: c.3432+8C>A on transcript NM_004006.3 (MANE Select); 8 bases into the intron after coding-DNA position 3432, C replaced by A.
Molecular consequence: intron variant.
Genome position (GRCh38, 1-based): chrX:32,463,431, G>T on the plus strand (C>A on the coding strand, the complement: DMD is on the minus strand). VCF-style: chrX-32463431-G-T. GRCh37 (hg19) VCF-style: chrX-32481548-G-T.
Other names: c.3408+8C>A (NM_000109.4); c.3420+8C>A (NM_004009.3); c.3063+8C>A (NM_004010.3).
Identifiers: ClinVar variation 526106 (VCV000526106.18), dbSNP rs781003275, ClinGen allele CA10379286.

ClinVar aggregate classification (germline): Likely benign. Review status: criteria provided, multiple submitters, no conflicts (2 of 4 stars). 5 submissions from 5 submitters: Likely benign (3). 2 of the submissions do not count toward it. Last evaluated 2026-06-01.

Conditions:
DMD-related disorder. Also called: DMD-related condition.
Dystrophin deficiency.
Cardiomyopathy (CMYO). Also called: Cardiomyopathies. Identifiers: Orphanet 167848, MedGen C0878544, MONDO:0004994, HP:0001638. Inheritance: Various modes of inheritance.
Becker muscular dystrophy (BMD). Also called: Becker Muscular Dystrophy (BMD); MUSCULAR DYSTROPHY, PSEUDOHYPERTROPHIC PROGRESSIVE, BECKER TYPE. Identifiers: Orphanet 98895, MedGen C0917713, MONDO:0010311, OMIM 300376.
Duchenne muscular dystrophy (DMD). Also called: MUSCULAR DYSTROPHY, PSEUDOHYPERTROPHIC PROGRESSIVE, DUCHENNE TYPE; Duchenne Muscular Dystrophy (DMD). Identifiers: Orphanet 98896, MedGen C0013264, MONDO:0010679, OMIM 310200.

Allele frequency attached by ClinVar (database versions not stated): gnomAD 0.00005; TOPMed 0.00007; gnomAD exomes 0.00009; ExAC 0.00011.
gnomAD v4.1: 45 of 1,200,665 alleles (0.0037%); highest among the groups gnomAD compares: Admixed American, 0.078%; no homozygotes.

Submissions (5):

CeGaT Center for Human Genetics Tuebingen
Classification: Likely benign. Last evaluated: 2026-06-01. Review status: criteria provided, single submitter. Criteria: CeGaT Center For Human Genetics Tuebingen Variant Classification Criteria Version 2. Collection method: clinical testing. Allele origin: germline. Affected: yes. Observed: 1 variant allele.
Comment: DMD: BP4, BS2

Labcorp Genetics (formerly Invitae), Labcorp
Classification: Likely benign for Duchenne muscular dystrophy. Last evaluated: 2026-01-31. Review status: criteria provided, single submitter. Criteria: Invitae Variant Classification Sherloc (09022015). Collection method: clinical testing. Allele origin: germline.

GeneDx
Classification: Likely benign. Last evaluated: 2021-04-30. Review status: criteria provided, single submitter. Criteria: GeneDx Variant Classification Process June 2021. Collection method: clinical testing. Allele origin: germline. Affected: yes.

PreventionGenetics, part of Exact Sciences
Classification: Likely benign for DMD-related condition. Last evaluated: 2019-05-02. Review status: no assertion criteria provided. Collection method: clinical testing. Allele origin: germline. Not counted in ClinVar's aggregate classification.
Comment: This variant is classified as likely benign based on ACMG/AMP sequence variant interpretation guidelines (Richards et al. 2015 PMID: 25741868, with internal and published modifications).

Natera, Inc.
Classification: Likely benign for Becker muscular dystrophy; Cardiomyopathy; Duchenne muscular dystrophy; Dystrophin deficiency. Last evaluated: 2018-06-22. Review status: no assertion criteria provided. Collection method: clinical testing. Allele origin: germline. Not counted in ClinVar's aggregate classification.